The following is an entry in ClinVar:

NM_002206.3(ITGA7):c.2876T>C (p.Val959Ala)

Gene: ITGA7 (integrin subunit alpha 7; minus strand). Cytogenetic location: 12q13.2.
Variant type: single nucleotide variant.
Coding change: c.2876T>C on transcript NM_002206.3 (MANE Select); coding-DNA position 2876, T replaced by C.
Protein change: p.Val959Ala; replaces valine 959 with alanine.
Molecular consequence: missense variant.
Genome position (GRCh38, 1-based): chr12:55,688,926, A>G on the plus strand (T>C on the coding strand, the complement: ITGA7 is on the minus strand). VCF-style: chr12-55688926-A-G. GRCh37 (hg19) VCF-style: chr12-56082710-A-G.
Other names: c.2888T>C, p.Val963Ala (NM_001144996.2); c.2597T>C, p.Val866Ala (NM_001144997.2); c.2549T>C, p.Val850Ala (NM_001367993.1); c.1532T>C, p.Val511Ala (NM_001367994.1); c.2858T>C, p.Val953Ala (NM_001374465.1); c.3008T>C, p.Val1003Ala (NM_001410977.1); c.2870T>C, p.Val957Ala (NM_001414029.1); c.2801T>C, p.Val934Ala (NM_001414030.1); and 5 more; short protein forms V953A, V850A, V963A, V511A, V866A, V959A, V1003A, V846A.
Identifiers: ClinVar variation 1431849 (VCV001431849.7), dbSNP rs139858869, ClinGen allele CA6615424.

ClinVar aggregate classification (germline): Uncertain significance (1 of 4 stars; one submission).

Conditions:
Congenital muscular dystrophy due to integrin alpha-7 deficiency. Also called: MYOPATHY, CONGENITAL, DUE TO INTEGRIN ALPHA-7 DEFICIENCY; Congenital muscular dystrophy with integrin alpha-7 deficiency; Muscular dystrophy, congenital, due to ITGA7 deficiency. Identifiers: Orphanet 34520, MedGen C2750786, MONDO:0013177, OMIM 613204.

Allele frequency attached by ClinVar (database versions not stated): TOPMed below 0.00001; gnomAD exomes 0.00001; ExAC 0.00002; gnomAD 0.00003; 1000 Genomes Project 30x 0.00016; 1000 Genomes Project 0.00020.
gnomAD v4.1: 15 of 1,613,998 alleles (0.00093%); highest among the groups gnomAD compares: African/African-American, 0.011%; no homozygotes.

Submission:

Labcorp Genetics (formerly Invitae), Labcorp
Classification: Uncertain significance for Congenital muscular dystrophy due to integrin alpha-7 deficiency. Last evaluated: 2022-06-27. Review status: criteria provided, single submitter. Criteria: Invitae Variant Classification Sherloc (09022015). Collection method: clinical testing. Allele origin: germline.
Comment: This variant is present in population databases (rs139858869, gnomAD 0.01%). This variant has not been reported in the literature in individuals affected with ITGA7-related conditions. Algorithms developed to predict the effect of missense changes on protein structure and function (SIFT, PolyPhen-2, Align-GVGD) all suggest that this variant is likely to be tolerated. In summary, the available evidence is currently insufficient to determine the role of this variant in disease. Therefore, it has been classified as a Variant of Uncertain Significance. This sequence change replaces valine, which is neutral and non-polar, with alanine, which is neutral and non-polar, at codon 959 of the ITGA7 protein (p.Val959Ala).